The following is an entry in ClinVar:

ClinVar aggregate classification (germline): Uncertain significance (1 of 4 stars; one submission).

Submission:

Labcorp Genetics (formerly Invitae), Labcorp
Classification: Uncertain significance. Last evaluated: 2021-04-11. Review status: criteria provided, single submitter. Criteria: Invitae Variant Classification Sherloc (09022015). Collection method: clinical testing. Allele origin: germline.
Comment: This sequence change replaces glutamine with arginine at codon 149 of the ATOH7 protein (p.Gln149Arg). The glutamine residue is moderately conserved and there is a small physicochemical difference between glutamine and arginine. This variant has not been reported in the literature in individuals with ATOH7-related conditions. This variant is not present in population databases (ExAC no frequency). In summary, the available evidence is currently insufficient to determine the role of this variant in disease. Therefore, it has been classified as a Variant of Uncertain Significance. Algorithms developed to predict the effect of missense changes on protein structure and function output the following: SIFT: "Tolerated"; PolyPhen-2: "Benign"; Align-GVGD: "Class C0". The arginine amino acid residue is found in multiple mammalian species, suggesting that this missense change does not adversely affect protein function. These predictions have not been confirmed by published functional studies and their clinical significance is uncertain.

NM_145178.4(ATOH7):c.446A>G (p.Gln149Arg)

Gene: ATOH7 (atonal bHLH transcription factor 7; minus strand). Cytogenetic location: 10q21.3.
Variant type: single nucleotide variant.
Coding change: c.446A>G on transcript NM_145178.4 (MANE Select); coding-DNA position 446, A replaced by G.
Protein change: p.Gln149Arg; replaces glutamine 149 with arginine.
Molecular consequence: missense variant.
Genome position (GRCh38, 1-based): chr10:68,231,232, T>C on the plus strand (A>G on the coding strand, the complement: ATOH7 is on the minus strand). VCF-style: chr10-68231232-T-C. GRCh37 (hg19) VCF-style: chr10-69990989-T-C.
Other names: short protein forms Q149R.
Identifiers: ClinVar variation 1386842 (VCV001386842.8), dbSNP rs2134380111, ClinGen allele CA376834741.